The following is an entry in ClinVar:

NM_020778.5(ALPK3):c.1977G>C (p.Lys659Asn)

Gene: ALPK3 (alpha kinase 3; plus strand). Cytogenetic location: 15q25.3.
Variant type: single nucleotide variant.
Coding change: c.1977G>C on transcript NM_020778.5 (MANE Select); coding-DNA position 1977, G replaced by C.
Protein change: p.Lys659Asn; replaces lysine 659 with asparagine.
Molecular consequence: missense variant.
Genome position (GRCh38, 1-based): chr15:84,856,715, G>C. VCF-style: chr15-84856715-G-C. GRCh37 (hg19) VCF-style: chr15-85399946-G-C.
Other names: short protein forms K659N.
Identifiers: ClinVar variation 1793408 (VCV001793408.2), dbSNP rs781311599, ClinGen allele CA393355474.

ClinVar aggregate classification (germline): Uncertain significance (1 of 4 stars; one submission).

Conditions:
Cardiovascular phenotype. Identifiers: MedGen CN230736.

Allele frequency attached by ClinVar (database versions not stated): gnomAD 0.00001.
gnomAD v4.1: 1 of 1,613,942 alleles (0.000062%); highest among the groups gnomAD compares: African/African-American, 0.0013%; no homozygotes.

Submission:

Ambry Genetics
Classification: Uncertain significance for Cardiovascular phenotype. Last evaluated: 2022-08-30. Review status: criteria provided, single submitter. Criteria: Ambry Variant Classification Scheme 2023. Collection method: clinical testing. Allele origin: germline.
Comment: The p.K861N variant (also known as c.2583G>C), located in coding exon 6 of the ALPK3 gene, results from a G to C substitution at nucleotide position 2583. The lysine at codon 861 is replaced by asparagine, an amino acid with similar properties. This amino acid position is conserved. In addition, this alteration is predicted to be tolerated by in silico analysis. Since supporting evidence is limited at this time, the clinical significance of this alteration remains unclear.